The following is an entry in ClinVar:

NM_005896.4(IDH1):c.1153A>G (p.Asn385Asp)

Gene: IDH1 (isocitrate dehydrogenase (NADP(+)) 1; minus strand). Cytogenetic location: 2q34.
Variant type: single nucleotide variant.
Coding change: c.1153A>G on transcript NM_005896.4 (MANE Select); coding-DNA position 1153, A replaced by G.
Protein change: p.Asn385Asp; replaces asparagine 385 with aspartic acid.
Molecular consequence: missense variant.
Genome position (GRCh38, 1-based): chr2:208,239,072, T>C on the plus strand (A>G on the coding strand, the complement: IDH1 is on the minus strand). VCF-style: chr2-208239072-T-C. GRCh37 (hg19) VCF-style: chr2-209103796-T-C.
Other names: c.1153A>G, p.Asn385Asp (NM_001282386.1, NM_001282387.1); short protein forms N385D.
Identifiers: ClinVar variation 1734587 (VCV001734587.2), dbSNP rs775623666, ClinGen allele CA2078803.

ClinVar aggregate classification (germline): Uncertain significance (1 of 4 stars; one submission).

Allele frequency attached by ClinVar (database versions not stated): TOPMed below 0.00001; gnomAD exomes 0.00001; ExAC 0.00002.
gnomAD v4.1: 5 of 1,613,790 alleles (0.00031%); highest among the groups gnomAD compares: Middle Eastern, 0.017%; no homozygotes.

Submission:

Ambry Genetics
Classification: Uncertain significance. Last evaluated: 2023-11-18. Review status: criteria provided, single submitter. Criteria: Ambry Variant Classification Scheme 2023. Collection method: clinical testing. Allele origin: germline.
Comment: The p.N385D variant (also known as c.1153A>G), located in coding exon 7 of the IDH1 gene, results from an A to G substitution at nucleotide position 1153. The asparagine at codon 385 is replaced by aspartic acid, an amino acid with highly similar properties. This amino acid position is conserved. In addition, this alteration is predicted to be tolerated by in silico analysis. Since supporting evidence is limited at this time, the clinical significance of this alteration remains unclear.